The following is an entry in ClinVar:

ClinVar aggregate classification (germline): Uncertain significance (1 of 4 stars; one submission).

Submission:

Labcorp Genetics (formerly Invitae), Labcorp
Classification: Uncertain significance. Last evaluated: 2022-11-19. Review status: criteria provided, single submitter. Criteria: Invitae Variant Classification Sherloc (09022015). Collection method: clinical testing. Allele origin: germline.
Comment: In summary, the available evidence is currently insufficient to determine the role of this variant in disease. Therefore, it has been classified as a Variant of Uncertain Significance. Algorithms developed to predict the effect of sequence changes on RNA splicing suggest that this variant may create or strengthen a splice site. This variant has not been reported in the literature in individuals affected with MYH7B-related conditions. This variant is not present in population databases (gnomAD no frequency). This sequence change creates a premature translational stop signal (p.Trp483*) in the MYH7B gene. It is expected to result in an absent or disrupted protein product. However, the current clinical and genetic evidence is not sufficient to establish whether loss-of-function variants in MYH7B cause disease.

NM_020884.7(MYH7B):c.1322G>A (p.Trp441Ter)

Gene: MYH7B (myosin heavy chain 7B; plus strand). Cytogenetic location: 20q11.22.
Variant type: single nucleotide variant.
Coding change: c.1322G>A on transcript NM_020884.7 (MANE Select); coding-DNA position 1322, G replaced by A.
Protein change: p.Trp441Ter; replaces tryptophan 441 with a stop codon.
Molecular consequence: nonsense.
Genome position (GRCh38, 1-based): chr20:34,987,820, G>A. VCF-style: chr20-34987820-G-A. GRCh37 (hg19) VCF-style: chr20-33575623-G-A.
Other names: short protein forms W441*.
Identifiers: ClinVar variation 2815248 (VCV002815248.3), dbSNP rs2519151441, ClinGen allele CA408701798.
Genomic context (GRCh38, chr20:34,987,820, plus strand): 5'-TCCAGGTGGTGTTTGCTGTGGGGGCTCTGGCCAAGGCCACCTATGACCGGCTGTTCAGGT[G>A]GCTGGTGTCTCGGATCAACCAGACCCTGGACACAAAGCTGCCCCGGCAGTTCTTCATCGG-3'